The following is an entry in ClinVar:

ClinVar aggregate classification (germline): Benign/Likely benign. Review status: criteria provided, multiple submitters, no conflicts (2 of 4 stars). 2 submissions from 2 submitters: Benign (1); Likely benign (1). Last evaluated 2018-06-19.

Allele frequency attached by ClinVar (database versions not stated): gnomAD exomes 0.00065 and 0.00161; ExAC 0.00189; 1000 Genomes Project 0.00619; 1000 Genomes Project 30x 0.00640; ESP Exome Variant Server 0.00654; gnomAD 0.00717 and 0.00775; TOPMed 0.00780.
gnomAD v4.1: 2,038 of 1,538,798 alleles (0.13%); highest among the groups gnomAD compares: African/African-American, 2.5%; 14 homozygotes.

Submissions (2):

GeneDx
Classification: Likely benign. Last evaluated: 2018-06-19. Review status: criteria provided, single submitter. Criteria: GeneDx Variant Classification (06012015). Collection method: clinical testing. Allele origin: germline. Affected: yes.
Comment: This variant is considered likely benign or benign based on one or more of the following criteria: it is a conservative change, it occurs at a poorly conserved position in the protein, it is predicted to be benign by multiple in silico algorithms, and/or has population frequency not consistent with disease.

PreventionGenetics, part of Exact Sciences
Classification: Benign. Last evaluated: 2013-10-24. Review status: criteria provided, single submitter. Criteria: ACMG Guidelines, 2015. Collection method: clinical testing. Allele origin: germline.

NM_000540.3(RYR1):c.6797-50A>G

Gene: RYR1 (ryanodine receptor 1; plus strand). Cytogenetic location: 19q13.2.
Variant type: single nucleotide variant.
Coding change: c.6797-50A>G on transcript NM_000540.3 (MANE Select); 50 bases into the intron before coding-DNA position 6797, A replaced by G.
Molecular consequence: intron variant.
Genome position (GRCh38, 1-based): chr19:38,496,810, A>G. VCF-style: chr19-38496810-A-G. GRCh37 (hg19) VCF-style: chr19-38987450-A-G.
Other names: c.6797-50A>G (NM_001042723.2).
Identifiers: ClinVar variation 256542 (VCV000256542.2), dbSNP rs34812626, ClinGen allele CA068761.